The following is an entry in ClinVar:

NM_007294.4(BRCA1):c.4501T>A (p.Cys1501Ser)

Gene: BRCA1 (BRCA1 DNA repair associated; minus strand). Cytogenetic location: 17q21.31.
Variant type: single nucleotide variant.
Coding change: c.4501T>A on transcript NM_007294.4 (MANE Select); coding-DNA position 4501, T replaced by A.
Protein change: p.Cys1501Ser; replaces cysteine 1501 with serine.
Molecular consequence: missense variant. On other transcripts: intron variant (3).
Genome position (GRCh38, 1-based): chr17:43,074,505, A>T on the plus strand (T>A on the coding strand, the complement: BRCA1 is on the minus strand). VCF-style: chr17-43074505-A-T. GRCh37 (hg19) VCF-style: chr17-41226522-A-T.
Other names: c.4495T>A, p.Cys1499Ser (NM_001407638.1, NM_001407639.1, NM_001407640.1 and 14 more transcripts); c.4492T>A, p.Cys1498Ser (NM_001407644.1, NM_001407645.1); c.4489T>A, p.Cys1497Ser (NM_001407646.1); c.4288T>A, p.Cys1430Ser (NM_001407571.1, NM_001407894.1, NM_001407895.1 and 12 more transcripts); c.4567T>A, p.Cys1523Ser (NM_001407581.1, NM_001407582.1); c.4564T>A, p.Cys1522Ser (NM_001407583.1, NM_001407585.1, NM_001407587.1 and 1 more transcripts); c.4561T>A, p.Cys1521Ser (NM_001407590.1, NM_001407591.1); c.4501T>A, p.Cys1501Ser (NM_001407593.1, NM_001407594.1, NM_001407596.1 and 8 more transcripts); and 71 more; short protein forms C1204S, C1205S, C1332S, C1372S, C1373S, C1374S, C1388S, C1389S.
Identifiers: ClinVar variation 3776698 (VCV003776698.3).

ClinVar aggregate classification (germline): Conflicting classifications of pathogenicity. Review status: criteria provided, conflicting classifications (1 of 4 stars). 3 submissions from 3 submitters: Uncertain significance (2); Likely benign (1). Last evaluated 2026-03-12.

Conditions:
Hereditary cancer-predisposing syndrome. Also called: Hereditary Cancer Syndrome; Neoplastic Syndromes, Hereditary; Tumor predisposition; Hereditary neoplastic syndrome. Identifiers: Orphanet 140162, MedGen C0027672, MeSH D009386, MONDO:0015356.
Hereditary breast ovarian cancer syndrome. Also called: BRCA1- and BRCA2-Associated Hereditary Breast and Ovarian Cancer; Hereditary breast and ovarian cancer; Breast and ovarian cancer; Hereditary breast and/or ovarian cancer syndrome; Hereditary breast and ovarian cancer syndrome (HBOC); Hereditary breast and ovarian cancer syndrome. Identifiers: Orphanet 145, MedGen C0677776, MeSH D061325, MONDO:0003582. Disease mechanism: loss of function.

gnomAD v4.1: 3 of 1,613,828 alleles (0.00019%); highest among the groups gnomAD compares: Middle Eastern, 0.017%; no homozygotes.

Submissions (3):

Ambry Genetics
Classification: Likely benign for Hereditary cancer-predisposing syndrome. Last evaluated: 2026-03-12. Review status: criteria provided, single submitter. Criteria: Ambry Variant Classification Scheme 2023. Collection method: clinical testing. Allele origin: germline.

Labcorp Genetics (formerly Invitae), Labcorp
Classification: Uncertain significance for Hereditary breast ovarian cancer syndrome. Last evaluated: 2025-06-08. Review status: criteria provided, single submitter. Criteria: Invitae Variant Classification Sherloc (09022015). Collection method: clinical testing. Allele origin: germline.
Comment: This sequence change replaces cysteine, which is neutral and slightly polar, with serine, which is neutral and polar, at codon 1501 of the BRCA1 protein (p.Cys1501Ser). This variant is present in population databases (no rsID available, gnomAD 0.003%). This variant has not been reported in the literature in individuals affected with BRCA1-related conditions. ClinVar contains an entry for this variant (Variation ID: 3776698). Invitae Evidence Modeling of protein sequence and biophysical properties (such as structural, functional, and spatial information, amino acid conservation, physicochemical variation, residue mobility, and thermodynamic stability) indicates that this missense variant is not expected to disrupt BRCA1 protein function with a negative predictive value of 95%. In summary, the available evidence is currently insufficient to determine the role of this variant in disease. Therefore, it has been classified as a Variant of Uncertain Significance.

GeneDx
Classification: Uncertain significance. Last evaluated: 2024-10-03. Review status: criteria provided, single submitter. Criteria: GeneDx Variant Classification Process June 2021. Collection method: clinical testing. Allele origin: germline. Affected: yes.
Comment: Not observed at significant frequency in large population cohorts (gnomAD); In silico analysis indicates that this missense variant does not alter protein structure/function; Has not been previously published as pathogenic or benign to our knowledge; Also known as 4620T>A; This variant is associated with the following publications: (PMID: 15343273, 22737296)